The following is an entry in ClinVar:

NM_005120.3(MED12):c.3247G>A (p.Gly1083Ser)

Gene: MED12 (mediator complex subunit 12; plus strand). Cytogenetic location: Xq13.1.
Variant type: single nucleotide variant.
Coding change: c.3247G>A on transcript NM_005120.3 (MANE Select); coding-DNA position 3247, G replaced by A.
Protein change: p.Gly1083Ser; replaces glycine 1083 with serine.
Molecular consequence: missense variant.
Genome position (GRCh38, 1-based): chrX:71,128,333, G>A. VCF-style: chrX-71128333-G-A. GRCh37 (hg19) VCF-style: chrX-70348183-G-A.
Other names: short protein forms G1083S.
Identifiers: ClinVar variation 3369695 (VCV003369695.2).
Genomic context (GRCh38, chrX:71,128,333, plus strand): 5'-AGGGCATTTGTACTTTTCCCTAGGGTGAATGACATCGCAATCCTGTGTGCAGAGCTGACC[G>A]GCTATTGCAAGTCACTGAGTGCAGAATGGCTAGGAGTGCTTAAGGCCTTGTGCTGCTCCT-3'
Protein context (NP_005111.2, residues 1073-1093): DIAILCAELT[Gly1083Ser]YCKSLSAEWL

ClinVar aggregate classification (germline): Uncertain significance. Review status: criteria provided, multiple submitters, no conflicts (2 of 4 stars). 2 submissions from 2 submitters: Uncertain significance (2). Last evaluated 2025-03-27.

Conditions:
Familial thoracic aortic aneurysm and aortic dissection (TAAD). Also called: Thoracic aortic aneurysms and dissections. Identifiers: Orphanet 91387, MedGen C4707243, MONDO:0019625.

gnomAD v4.1: 5 of 1,209,869 alleles (0.00041%); highest among the groups gnomAD compares: East Asian, 0.003%; no homozygotes.

Submissions (2):

Ambry Genetics
Classification: Uncertain significance for Familial thoracic aortic aneurysm and aortic dissection. Last evaluated: 2025-03-27. Review status: criteria provided, single submitter. Criteria: Ambry Variant Classification Scheme 2023. Collection method: clinical testing. Allele origin: germline.

GeneDx
Classification: Uncertain significance. Last evaluated: 2024-02-23. Review status: criteria provided, single submitter. Criteria: GeneDx Variant Classification Process June 2021. Collection method: clinical testing. Allele origin: germline. Affected: yes.
Comment: Not observed at significant frequency in large population cohorts (gnomAD); In silico analysis supports that this missense variant does not alter protein structure/function; Has not been previously published as pathogenic or benign to our knowledge